The following is an entry in ClinVar:

ClinVar aggregate classification (germline): Conflicting classifications of pathogenicity. Review status: criteria provided, conflicting classifications (1 of 4 stars). 2 submissions from 2 submitters: Uncertain significance (1); Likely benign (1). Last evaluated 2025-08-24.

Conditions:
Long QT syndrome (LQTS). Identifiers: MedGen C0023976, MeSH D008133, MONDO:0002442. Disease mechanism: loss of function. Inheritance: Various modes of inheritance.
Neurodevelopmental disorder with hypotonia, language delay, and skeletal defects with or without seizures (NEDHLSS). Identifiers: MedGen C5774213, MONDO:0859286, OMIM 620029.

Allele frequency attached by ClinVar (database versions not stated): gnomAD 0.00001; gnomAD exomes 0.00001.
gnomAD v4.1: 17 of 1,595,084 alleles (0.0011%); highest among the groups gnomAD compares: South Asian, 0.018%; no homozygotes.

Submissions (2):

Labcorp Genetics (formerly Invitae), Labcorp
Classification: Likely benign for Long QT syndrome. Last evaluated: 2025-08-24. Review status: criteria provided, single submitter. Criteria: Invitae Variant Classification Sherloc (09022015). Collection method: clinical testing. Allele origin: germline.

Neuberg Centre For Genomic Medicine, NCGM
Classification: Uncertain significance for Neurodevelopmental disorder with hypotonia, language delay, and skeletal defects with or without seizures. Last evaluated: 2023-05-20. Review status: criteria provided, single submitter. Criteria: ACMG Guidelines, 2015. Collection method: clinical testing. Allele origin: germline. Inheritance: Autosomal dominant inheritance. Affected: yes.
Comment: The observed missense variant c.6391A>G(p.Ser2131Gly) in CACNA1C gene has not been reported previously as a pathogenic variant nor as a benign variant, to our knowledge. The c.6391A>G variant has 0.001% allele frequency in gnomAD Exomes.This variant has been reported to the ClinVar database as Uncertain Significance. However, no details are available for independent assessment.The amino acid Serine at position 2131 is changed to a Glycine changing protein sequence and it might alter its composition and physico-chemical properties. Computational evidence (Polyphen-Benign, SIFT- Tolerated and Mutation Taster-Disease causing) predicts conflicting evidence on protein structure and function for this variant. The reference amino acid p.Ser2131Gly in CACNA1C is predicted as conserved by PhyloP across 100 vertebrates. For these reasons, this variant has been classified as Uncertain Significance.

NM_000719.7(CACNA1C):c.6391A>G (p.Ser2131Gly)

Gene: CACNA1C (calcium voltage-gated channel subunit alpha1 C; plus strand). Cytogenetic location: 12p13.33.
Variant type: single nucleotide variant.
Coding change: c.6391A>G on transcript NM_000719.7 (MANE Select); coding-DNA position 6391, A replaced by G.
Protein change: p.Ser2131Gly; replaces serine 2131 with glycine.
Molecular consequence: missense variant.
Genome position (GRCh38, 1-based): chr12:2,691,173, A>G. VCF-style: chr12-2691173-A-G. GRCh37 (hg19) VCF-style: chr12-2800339-A-G.
Other names: c.6535A>G, p.Ser2179Gly (NM_001129827.2); c.6514A>G, p.Ser2172Gly (NM_001129829.2); c.6496A>G, p.Ser2166Gly (NM_001129830.3, NM_001167624.3); c.6475A>G, p.Ser2159Gly (NM_001129831.2); c.6451A>G, p.Ser2151Gly (NM_001129832.2); c.6448A>G, p.Ser2150Gly (NM_001129833.2, NM_001129834.2, NM_001129835.2); c.6442A>G, p.Ser2148Gly (NM_001129836.2); c.6415A>G, p.Ser2139Gly (NM_001129837.2, NM_001129838.2); and 6 more; short protein forms S2120G, S2128G, S2159G, S2137G, S2148G, S2139G, S2151G, S2191G.
Identifiers: ClinVar variation 2194692 (VCV002194692.7), dbSNP rs1337865963, ClinGen allele CA383387857.